The following is an entry in ClinVar:

ClinVar aggregate classification (germline): Pathogenic (1 of 4 stars; one submission).

Allele frequency attached by ClinVar (database versions not stated): gnomAD exomes below 0.00001.
gnomAD v4.1: 1 of 1,613,746 alleles (0.000062%); highest among the groups gnomAD compares: Non-Finnish European, 0.000085%; no homozygotes.

Submission:

Labcorp Genetics (formerly Invitae), Labcorp
Classification: Pathogenic. Last evaluated: 2021-12-03. Review status: criteria provided, single submitter. Criteria: Invitae Variant Classification Sherloc (09022015). Collection method: clinical testing. Allele origin: germline.
Comment: This sequence change affects an acceptor splice site in intron 6 of the UROS gene. It is expected to disrupt RNA splicing. Variants that disrupt the donor or acceptor splice site typically lead to a loss of protein function (PMID: 16199547), and loss-of-function variants in UROS are known to be pathogenic (PMID: 1733834, 7860775, 12060141). This variant is not present in population databases (gnomAD no frequency). Disruption of this splice site has been observed in individual(s) with clinical features of congenital erythropoietic porphyria (Invitae). In at least one individual the data is consistent with being in trans (on the opposite chromosome) from a pathogenic variant. Algorithms developed to predict the effect of sequence changes on RNA splicing suggest that this variant may disrupt the consensus splice site. For these reasons, this variant has been classified as Pathogenic.

Literature cited by the submitters: PubMed 16199547; PubMed 1733834; PubMed 7860775; PubMed 12060141.

NM_000375.3(UROS):c.395-2A>C

Gene: UROS (uroporphyrinogen III synthase; minus strand). Cytogenetic location: 10q26.2.
Variant type: single nucleotide variant.
Coding change: c.395-2A>C on transcript NM_000375.3 (MANE Select); the canonical splice acceptor site of the intron before coding-DNA position 395, A replaced by C.
Molecular consequence: splice acceptor variant. On other transcripts: intron variant (2).
Genome position (GRCh38, 1-based): chr10:125,798,147, T>G on the plus strand (A>C on the coding strand, the complement: UROS is on the minus strand). VCF-style: chr10-125798147-T-G. GRCh37 (hg19) VCF-style: chr10-127486716-T-G.
Other names: c.395-1959A>C (NM_001324038.2, NM_001324037.2); c.395-2A>C (NM_001324036.2).
Identifiers: ClinVar variation 1458139 (VCV001458139.6), dbSNP rs2133845071, ClinGen allele CA378688042.